The following is an entry in ClinVar:

NM_000051.4(ATM):c.3747-2A>C

Gene: ATM (ATM serine/threonine kinase; plus strand). Cytogenetic location: 11q22.3.
Variant type: single nucleotide variant.
Coding change: c.3747-2A>C on transcript NM_000051.4 (MANE Select); the canonical splice acceptor site of the intron before coding-DNA position 3747, A replaced by C.
Molecular consequence: splice acceptor variant.
Genome position (GRCh38, 1-based): chr11:108,284,225, A>C. VCF-style: chr11-108284225-A-C. GRCh37 (hg19) VCF-style: chr11-108154952-A-C.
Other names: c.3747-2A>C (NM_001351834.2).
Identifiers: ClinVar variation 4734675 (VCV004734675.1).
Genomic context (GRCh38, chr11:108,284,225, plus strand): 5'-TTTATAAAATTTTACTTGGAAAAGTTATATATAACCTGTATTTTAAATTTTTCTATTTTT[A>C]GATCTTGTTATAAGGTTTTGATTCCACATCTGGTGATTAGAAGTCATTTTGATGAGGTGA-3'

ClinVar aggregate classification (germline): Likely pathogenic (1 of 4 stars; one submission).

Conditions:
Ataxia-telangiectasia syndrome (AT). Also called: Cerebello-oculocutaneous telangiectasia; Immunodeficiency with ataxia telangiectasia; Ataxia-telangiectasia, complementation group E; LOUIS-BAR SYNDROME; AT, COMPLEMENTATION GROUP C; ATAXIA-TELANGIECTASIA, COMPLEMENTATION GROUP A. Identifiers: Orphanet 100, MedGen C0004135, MONDO:0008840, OMIM 208900.

Submission:

Labcorp Genetics (formerly Invitae), Labcorp
Classification: Likely pathogenic for Ataxia-telangiectasia syndrome. Last evaluated: 2026-01-04. Review status: criteria provided, single submitter. Criteria: Invitae Variant Classification Sherloc (09022015). Collection method: clinical testing. Allele origin: germline.
Comment: This sequence change affects an acceptor splice site in intron 25 of the ATM gene. It is expected to disrupt RNA splicing. Variants that disrupt the donor or acceptor splice site typically lead to a loss of protein function (PMID: 16199547), and loss-of-function variants in ATM are known to be pathogenic (PMID: 23807571, 25614872). This variant is not present in population databases (gnomAD no frequency). This variant has not been reported in the literature in individuals affected with ATM-related conditions. Algorithms developed to predict the effect of sequence changes on RNA splicing suggest that this variant may disrupt the consensus splice site. In summary, the currently available evidence indicates that the variant is pathogenic, but additional data are needed to prove that conclusively. Therefore, this variant has been classified as Likely Pathogenic.

Literature cited by the submitters: PubMed 16199547; PubMed 23807571; PubMed 25614872.